The following is an entry in ClinVar:

ClinVar aggregate classification (germline): Uncertain significance (0 of 4 stars; one submission).

Conditions:
PLXNA3-related disorder. Also called: PLXNA3-related condition.

gnomAD v4.1: 1 of 1,210,498 alleles (0.000083%); highest among the groups gnomAD compares: Non-Finnish European, 0.00011%; no homozygotes.

Submission:

PreventionGenetics, part of Exact Sciences
Classification: Uncertain significance for PLXNA3-related condition. Last evaluated: 2024-02-12. Review status: no assertion criteria provided. Collection method: clinical testing. Allele origin: germline.
Comment: The PLXNA3 c.145G>A variant is predicted to result in the amino acid substitution p.Ala49Thr. To our knowledge, this variant has not been reported in the literature. This variant is reported in 0.0013% of alleles in individuals of European (Non-Finnish) descent in gnomAD. At this time, the clinical significance of this variant is uncertain due to the absence of conclusive functional and genetic evidence.

NM_017514.5(PLXNA3):c.145G>A (p.Ala49Thr)

Gene: PLXNA3 (plexin A3; plus strand). Cytogenetic location: Xq28.
Variant type: single nucleotide variant.
Coding change: c.145G>A on transcript NM_017514.5 (MANE Select); coding-DNA position 145, G replaced by A.
Protein change: p.Ala49Thr; replaces alanine 49 with threonine.
Molecular consequence: missense variant.
Genome position (GRCh38, 1-based): chrX:154,460,328, G>A. VCF-style: chrX-154460328-G-A. GRCh37 (hg19) VCF-style: chrX-153688668-G-A.
Other names: short protein forms A49T.
Identifiers: ClinVar variation 3347978 (VCV003347978.1).
Genomic context (GRCh38, chrX:154,460,328, plus strand): 5'-ACAGACACCACGCTTACCCACCTGGCTGTGCACCGGGTGACTGGGGAGGTGTTCGTGGGC[G>A]CAGTGAACCGAGTCTTTAAGCTGGCCCCCAACCTGACTGAGCTGCGGGCCCATGTCACGG-3'
Protein context (NP_059984.3, residues 39-59): HRVTGEVFVG[Ala49Thr]VNRVFKLAPN